The following is an entry in ClinVar:

ClinVar aggregate classification (germline): Uncertain significance (1 of 4 stars; one submission).

Conditions:
Familial renal glucosuria (GLYS). Also called: RENAL GLUCOSURIA, AUTOSOMAL DOMINANT; Familial renal glycosuria. Identifiers: Orphanet 69076, MedGen C3245525, MONDO:0009297, OMIM 233100.

Allele frequency attached by ClinVar (database versions not stated): gnomAD 0.00001.
gnomAD v4.1: 8 of 1,613,794 alleles (0.0005%); highest among the groups gnomAD compares: Non-Finnish European, 0.00068%; no homozygotes.

Submission:

MVZ Medizinische Genetik Mainz
Classification: Uncertain significance for Familial renal glucosuria. Last evaluated: 2022-05-25. Review status: criteria provided, single submitter. Criteria: UK Practice Guidelines For Variant Classification V4 01 2020. Collection method: clinical testing. Allele origin: germline. Inheritance: Autosomal dominant inheritance. Affected: yes. Observed: 1 variant allele.
Comment: ACMG Criteria: PM2_SUP, PM5_SUP, PP3, PP4 (ACMG Version 3)

NM_003041.4(SLC5A2):c.910G>A (p.Gly304Arg)

Gene: SLC5A2 (solute carrier family 5 member 2; plus strand). Cytogenetic location: 16p11.2.
Variant type: single nucleotide variant.
Coding change: c.910G>A on transcript NM_003041.4 (MANE Select); coding-DNA position 910, G replaced by A.
Protein change: p.Gly304Arg; replaces glycine 304 with arginine.
Molecular consequence: missense variant. On other transcripts: non-coding transcript variant (1).
Genome position (GRCh38, 1-based): chr16:31,488,062, G>A. VCF-style: chr16-31488062-G-A. GRCh37 (hg19) VCF-style: chr16-31499383-G-A.
Other names: short protein forms G304R.
Identifiers: ClinVar variation 3236174 (VCV003236174.1), dbSNP rs1345699534, ClinGen allele CA395754007.